The following is an entry in ClinVar:

ClinVar aggregate classification (germline): Uncertain significance. Review status: criteria provided, multiple submitters, no conflicts (2 of 4 stars). 2 submissions from 2 submitters: Uncertain significance (2). Last evaluated 2025-06-30.

Conditions:
Benign neonatal seizures. Also called: Benign familial neonatal seizures; Convulsions benign familial neonatal dominant form; Autosomal dominant form of benign neonatal seizures; Benign neonatal familial convulsions; Benign familial neonatal epilepsy. Identifiers: Orphanet 1949, MedGen C0220669, MONDO:0016027.

Allele frequency attached by ClinVar (database versions not stated): gnomAD exomes below 0.00001.
gnomAD v4.1: 2 of 1,614,170 alleles (0.00012%); highest among the groups gnomAD compares: Non-Finnish European, 0.00017%; no homozygotes.

Submissions (2):

GeneDx
Classification: Uncertain significance. Last evaluated: 2025-06-30. Review status: criteria provided, single submitter. Criteria: GeneDx Variant Classification Process June 2021. Collection method: clinical testing. Allele origin: germline.
Comment: Not observed at significant frequency in large population cohorts (gnomAD); In silico analysis suggests that this missense variant does not alter protein structure/function; Has not been previously published as pathogenic or benign to our knowledge

Labcorp Genetics (formerly Invitae), Labcorp
Classification: Uncertain significance for Benign neonatal seizures. Last evaluated: 2025-03-30. Review status: criteria provided, single submitter. Criteria: Invitae Variant Classification Sherloc (09022015). Collection method: clinical testing. Allele origin: germline.
Comment: This sequence change replaces lysine, which is basic and polar, with asparagine, which is neutral and polar, at codon 729 of the KCNQ3 protein (p.Lys729Asn). This variant is not present in population databases (gnomAD no frequency). This variant has not been reported in the literature in individuals affected with KCNQ3-related conditions. ClinVar contains an entry for this variant (Variation ID: 1987292). Invitae Evidence Modeling of protein sequence and biophysical properties (such as structural, functional, and spatial information, amino acid conservation, physicochemical variation, residue mobility, and thermodynamic stability) indicates that this missense variant is not expected to disrupt KCNQ3 protein function with a negative predictive value of 95%. In summary, the available evidence is currently insufficient to determine the role of this variant in disease. Therefore, it has been classified as a Variant of Uncertain Significance.

NM_004519.4(KCNQ3):c.2187G>T (p.Lys729Asn)

Gene: KCNQ3 (potassium voltage-gated channel subfamily Q member 3; minus strand). Cytogenetic location: 8q24.22.
Variant type: single nucleotide variant.
Coding change: c.2187G>T on transcript NM_004519.4 (MANE Select); coding-DNA position 2187, G replaced by T.
Protein change: p.Lys729Asn; replaces lysine 729 with asparagine.
Molecular consequence: missense variant.
Genome position (GRCh38, 1-based): chr8:132,129,694, C>A on the plus strand (G>T on the coding strand, the complement: KCNQ3 is on the minus strand). VCF-style: chr8-132129694-C-A. GRCh37 (hg19) VCF-style: chr8-133141941-C-A.
Other names: c.1827G>T, p.Lys609Asn (NM_001204824.2); c.2187G>T (NM_004519.3); short protein forms K609N, K729N.
Identifiers: ClinVar variation 1987292 (VCV001987292.6), dbSNP rs1824796616, ClinGen allele CA372216574.
Genomic context (GRCh38, chr8:132,129,694, plus strand): 5'-AGGCAGGACCGTGGGCCTCTCCACATACGTTGTTGCTGAGGAAGGAGGAGTTGCCTGAAC[C>A]TTTCCAGAACTGGGTCCCCCTCGGGGCAGGTTCACAGGGTCATGTGCAAAAAACCCATAG-3'
Protein context (NP_004510.1, residues 719-739): NLPRGGPSSG[Lys729Asn]VQATPPSSAT